The following is an entry in ClinVar:

NM_004727.3(SLC24A1):c.1436C>G (p.Pro479Arg)

Gene: SLC24A1 (solute carrier family 24 member 1; plus strand). Cytogenetic location: 15q22.31.
Variant type: single nucleotide variant.
Coding change: c.1436C>G on transcript NM_004727.3 (MANE Select); coding-DNA position 1436, C replaced by G.
Protein change: p.Pro479Arg; replaces proline 479 with arginine.
Molecular consequence: missense variant.
Genome position (GRCh38, 1-based): chr15:65,625,516, C>G. VCF-style: chr15-65625516-C-G. GRCh37 (hg19) VCF-style: chr15-65917854-C-G.
Other names: c.1436C>G, p.Pro479Arg (NM_001301031.1, NM_001301032.1, NM_001301033.2); short protein forms P479R.
Identifiers: ClinVar variation 1521058 (VCV001521058.8), dbSNP rs749945371, ClinGen allele CA392917461.

ClinVar aggregate classification (germline): Uncertain significance (1 of 4 stars; one submission).

Submission:

Labcorp Genetics (formerly Invitae), Labcorp
Classification: Uncertain significance. Last evaluated: 2022-09-06. Review status: criteria provided, single submitter. Criteria: Invitae Variant Classification Sherloc (09022015). Collection method: clinical testing. Allele origin: germline.
Comment: Algorithms developed to predict the effect of missense changes on protein structure and function (SIFT, PolyPhen-2, Align-GVGD) all suggest that this variant is likely to be disruptive. ClinVar contains an entry for this variant (Variation ID: 1521058). This variant has not been reported in the literature in individuals affected with SLC24A1-related conditions. This variant is not present in population databases (gnomAD no frequency). This sequence change replaces proline, which is neutral and non-polar, with arginine, which is basic and polar, at codon 479 of the SLC24A1 protein (p.Pro479Arg). In summary, the available evidence is currently insufficient to determine the role of this variant in disease. Therefore, it has been classified as a Variant of Uncertain Significance.